The following is an entry in ClinVar:

NM_025074.7(FRAS1):c.3951G>A (p.Leu1317=)

Gene: FRAS1 (Fraser extracellular matrix complex subunit 1; plus strand). Cytogenetic location: 4q21.21.
Variant type: single nucleotide variant.
Coding change: c.3951G>A on transcript NM_025074.7 (MANE Select); coding-DNA position 3951, G replaced by A.
Protein change: p.Leu1317=; no amino-acid change (leucine 1317 retained).
Molecular consequence: synonymous variant.
Genome position (GRCh38, 1-based): chr4:78,387,677, G>A. VCF-style: chr4-78387677-G-A. GRCh37 (hg19) VCF-style: chr4-79308831-G-A.
Other names: c.3951G>A, p.Leu1317= (NM_001166133.2).
Identifiers: ClinVar variation 349707 (VCV000349707.16), dbSNP rs76107832, ClinGen allele CA2977049.

ClinVar aggregate classification (germline): Benign/Likely benign. Review status: criteria provided, multiple submitters, no conflicts (2 of 4 stars). 4 submissions from 4 submitters: Benign (3); Likely benign (1). Last evaluated 2026-02-02.

Conditions:
Fraser syndrome 1 (FRASRS1). Also called: CRYPTOPHTHALMOS WITH OTHER MALFORMATIONS. Identifiers: Orphanet 2052, MedGen C4551480, MONDO:0054737, OMIM 219000.

Allele frequency attached by ClinVar (database versions not stated): gnomAD exomes 0.00099 and 0.00276; ExAC 0.00367; 1000 Genomes Project 0.00819; 1000 Genomes Project 30x 0.00953; gnomAD 0.00993 and 0.01090; TOPMed 0.01108; ESP Exome Variant Server 0.01151.
gnomAD v4.1: 2,922 of 1,541,988 alleles (0.19%); highest among the groups gnomAD compares: African/African-American, 3.5%; 34 homozygotes.

Submissions (4):

Labcorp Genetics (formerly Invitae), Labcorp
Classification: Benign. Last evaluated: 2026-02-02. Review status: criteria provided, single submitter. Criteria: Invitae Variant Classification Sherloc (09022015). Collection method: clinical testing. Allele origin: germline.

Fulgent Genetics
Classification: Likely benign for Fraser syndrome 1. Last evaluated: 2021-09-29. Review status: criteria provided, single submitter. Criteria: ACMG Guidelines, 2015. Collection method: clinical testing. Allele origin: unknown.

Illumina Laboratory Services, Illumina
Classification: Benign for Fraser syndrome 1. Last evaluated: 2018-01-12. Review status: criteria provided, single submitter. Criteria: ICSL Variant Classification Criteria 13 December 2019. Collection method: clinical testing. Allele origin: germline.
Comment: This variant was observed in the ICSL laboratory as part of a predisposition screen in an ostensibly healthy population. It had not been previously curated by ICSL or reported in the Human Gene Mutation Database (HGMD: prior to June 1st, 2018), and was therefore a candidate for classification through an automated scoring system. Utilizing variant allele frequency, disease prevalence and penetrance estimates, and inheritance mode, an automated score was calculated to assess if this variant is too frequent to cause the disease. Based on the score and internal cut-off values, a variant classified as benign is not then subjected to further curation. The score for this variant resulted in a classification of benign for this disease.

Breakthrough Genomics
Classification: Benign. Review status: criteria provided, single submitter. Criteria: ACMG Guidelines, 2015. Collection method: not provided. Allele origin: germline. Inheritance: Autosomal recessive inheritance. Affected: yes.